The following is an entry in ClinVar:

NM_000038.6(APC):c.1743+2159A>T

Gene: APC (APC regulator of WNT signaling pathway; plus strand). Cytogenetic location: 5q22.2.
Variant type: single nucleotide variant.
Coding change: c.1743+2159A>T on transcript NM_000038.6 (MANE Select); 2159 bases into the intron after coding-DNA position 1743, A replaced by T.
Molecular consequence: intron variant.
Genome position (GRCh38, 1-based): chr5:112,831,131, A>T. VCF-style: chr5-112831131-A-T. GRCh37 (hg19) VCF-style: chr5-112166828-A-T.
Other names: c.1743+2159A>T (NM_001354895.2, NM_001127510.3); c.1773+2159A>T (NM_001354897.2); c.1470+2159A>T (NM_001354902.2); c.1689+2159A>T (NM_001127511.3); c.1668+2159A>T (NM_001354898.2); c.1365+2159A>T (NM_001354904.2); c.894+2159A>T (NM_001354906.2); c.1797+2159A>T (NM_001354896.2); and 5 more.
Identifiers: ClinVar variation 82599 (VCV000082599.2), dbSNP rs78185547, ClinGen allele CA005608.
Genomic context (GRCh38, chr5:112,831,131, plus strand): 5'-TCATGACTTAATTCTCTCTCAAGGACCTAAACTCTTCTATAAATTTTTTTTTTTTTTGAG[A>T]TGGAGTCTTGCTCTGCTGCCAGGCTGGAGTGCAGTGGCAGGATCTCGGCTAACTGCAACC-3'

ClinVar aggregate classification (germline): other (0 of 4 stars; one submission).

Conditions:
Familial colorectal cancer. Identifiers: MedGen CN280943, MONDO:0023113. Disease mechanism: loss of function.

Submission:

Systems Biology Platform Zhejiang California International NanoSystems Institute
Classification: other for Familial colorectal cancer. Review status: no assertion criteria provided. Collection method: not provided. Allele origin: unknown.
ClinVar note: Converted during submission from cancer to other.